The following is an entry in ClinVar:

NM_000834.5(GRIN2B):c.333C>G (p.Ile111Met)

Gene: GRIN2B (glutamate ionotropic receptor NMDA type subunit 2B; minus strand). Cytogenetic location: 12p13.1.
Variant type: single nucleotide variant.
Coding change: c.333C>G on transcript NM_000834.5 (MANE Select); coding-DNA position 333, C replaced by G.
Protein change: p.Ile111Met; replaces isoleucine 111 with methionine.
Molecular consequence: missense variant.
Genome position (GRCh38, 1-based): chr12:13,865,876, G>C on the plus strand (C>G on the coding strand, the complement: GRIN2B is on the minus strand). VCF-style: chr12-13865876-G-C. GRCh37 (hg19) VCF-style: chr12-14018810-G-C.
Other names: c.333C>G, p.Ile111Met (NM_001413992.1, NM_001413993.1, NM_001413994.1 and 1 more transcripts); short protein forms I111M.
Identifiers: ClinVar variation 3360925 (VCV003360925.1).

ClinVar aggregate classification (germline): Uncertain significance (1 of 4 stars; one submission).

Submission:

GeneDx
Classification: Uncertain significance. Last evaluated: 2023-07-07. Review status: criteria provided, single submitter. Criteria: GeneDx Variant Classification Process June 2021. Collection method: clinical testing. Allele origin: germline. Affected: yes.
Comment: Not observed at significant frequency in large population cohorts (gnomAD); In silico analysis supports that this missense variant has a deleterious effect on protein structure/function; Has not been previously published as pathogenic or benign to our knowledge